The following is an entry in ClinVar:

NM_004168.4(SDHA):c.477G>T (p.Pro159=)

Gene: SDHA (succinate dehydrogenase complex flavoprotein subunit A; plus strand). Cytogenetic location: 5p15.33.
Variant type: single nucleotide variant.
Coding change: c.477G>T on transcript NM_004168.4 (MANE Select); coding-DNA position 477, G replaced by T.
Protein change: p.Pro159=; no amino-acid change (proline 159 retained).
Molecular consequence: synonymous variant.
Genome position (GRCh38, 1-based): chr5:225,903, G>T. VCF-style: chr5-225903-G-T. GRCh37 (hg19) VCF-style: chr5-226018-G-T.
Other names: c.333G>T, p.Pro111= (NM_001294332.2); c.477G>T, p.Pro159= (NM_001330758.2).
Identifiers: ClinVar variation 539702 (VCV000539702.17), dbSNP rs771741537, ClinGen allele CA442691093.

ClinVar aggregate classification (germline): Benign/Likely benign. Review status: criteria provided, multiple submitters, no conflicts (2 of 4 stars). 3 submissions from 3 submitters: Benign (1); Likely benign (2). Last evaluated 2025-11-10.

Conditions:
Hereditary cancer-predisposing syndrome. Also called: Neoplastic Syndromes, Hereditary; Tumor predisposition; Hereditary neoplastic syndrome; Hereditary Cancer Syndrome. Identifiers: Orphanet 140162, MedGen C0027672, MeSH D009386, MONDO:0015356.
Mitochondrial complex II deficiency, nuclear type 1. Also called: SUCCINATE CoQ REDUCTASE DEFICIENCY. Identifiers: Orphanet 3208, MedGen C5700310, MONDO:0100294, OMIM 252011.
Pheochromocytoma/paraganglioma syndrome 5. Also called: Paragangliomas 5; SDHA-Related Hereditary Paraganglioma-Pheochromocytoma Syndrome. Identifiers: Orphanet 29072, MedGen C3279992, MONDO:0013602, OMIM 614165.

Allele frequency attached by ClinVar (database versions not stated): TOPMed 0.00001.
gnomAD v4.1: 3 of 1,613,168 alleles (0.00019%); highest among the groups gnomAD compares: Non-Finnish European, 0.00025%; no homozygotes.

Submissions (3):

Labcorp Genetics (formerly Invitae), Labcorp
Classification: Likely benign for Pheochromocytoma/paraganglioma syndrome 5; Mitochondrial complex II deficiency, nuclear type 1. Last evaluated: 2025-11-10. Review status: criteria provided, single submitter. Criteria: Invitae Variant Classification Sherloc (09022015). Collection method: clinical testing. Allele origin: germline.

Myriad Genetics, Inc.
Classification: Benign for Pheochromocytoma/paraganglioma syndrome 5. Last evaluated: 2025-02-28. Review status: criteria provided, single submitter. Criteria: Myriad Autosomal Dominant, Autosomal Recessive and X-Linked Classification Criteria (2023). Collection method: clinical testing. Allele origin: unknown.
Comment: This variant is considered benign. This variant is a silent/synonymous amino acid change and it is not expected to impact splicing.

Ambry Genetics
Classification: Likely benign for Hereditary cancer-predisposing syndrome. Last evaluated: 2018-07-24. Review status: criteria provided, single submitter. Criteria: Ambry Variant Classification Scheme 2023. Collection method: clinical testing. Allele origin: germline.